The following is an entry in ClinVar:

ClinVar aggregate classification (germline): Uncertain significance (1 of 4 stars; one submission).

Conditions:
Multiple endocrine neoplasia, type 1 (MEN1). Also called: MEN I; WERMER SYNDROME; Endocrine adenomatosis multiple; MEN 1; MEA I. Identifiers: Orphanet 652, MedGen C0025267, MeSH D018761, MONDO:0007540, OMIM 131100.

Submission:

Labcorp Genetics (formerly Invitae), Labcorp
Classification: Uncertain significance for Multiple endocrine neoplasia, type 1. Last evaluated: 2017-06-12. Review status: criteria provided, single submitter. Criteria: Invitae Variant Classification Sherloc (09022015). Collection method: clinical testing. Allele origin: germline.
Comment: In summary, this variant has uncertain impact on MEN1 function. The available evidence is currently insufficient to determine its role in disease. Therefore, it has been classified as a Variant of Uncertain Significance. Algorithms developed to predict the effect of missense changes on protein structure and function (SIFT, PolyPhen-2, Align-GVGD) all suggest that this variant is likely to be disruptive, but these predictions have not been confirmed by published functional studies and their clinical significance is uncertain. This variant has not been reported in the literature in individuals with a MEN1-related disease. This variant is not present in population databases (ExAC no frequency). This sequence change replaces arginine with proline at codon 330 of the MEN1 protein (p.Arg330Pro). The arginine residue is highly conserved and there is a moderate physicochemical difference between arginine and proline.

NM_001370259.2(MEN1):c.989G>C (p.Arg330Pro)

Gene: MEN1 (menin 1; minus strand). Cytogenetic location: 11q13.1.
Variant type: single nucleotide variant.
Coding change: c.989G>C on transcript NM_001370259.2 (MANE Select); coding-DNA position 989, G replaced by C.
Protein change: p.Arg330Pro; replaces arginine 330 with proline.
Molecular consequence: missense variant.
Genome position (GRCh38, 1-based): chr11:64,806,292, C>G on the plus strand (G>C on the coding strand, the complement: MEN1 is on the minus strand). VCF-style: chr11-64806292-C-G. GRCh37 (hg19) VCF-style: chr11-64573764-C-G.
Other names: c.1004G>C, p.Arg335Pro (NM_000244.4, NM_130800.3, NM_130801.3 and 3 more transcripts); c.989G>C, p.Arg330Pro (NM_001370251.2, NM_001370260.2, NM_001370261.2 and 1 more transcripts); c.884G>C, p.Arg295Pro (NM_001370262.2, NM_001370263.2); short protein forms R330P, R335P, R295P.
Identifiers: ClinVar variation 457351 (VCV000457351.8), dbSNP rs373135175, ClinGen allele CA381183296.
Genomic context (GRCh38, chr11:64,806,292, plus strand): 5'-TCCTGGATGACAGTGGCCGTGTCCGCCCAGGCCTGCAGGGCTTCCCGCACATTGCGGTTG[C>G]GACAGTGGTAGCCAGCCAGGTACATGTAGGGGTAGATGTGTTCATCCCGATAGTAGGTCT-3'
Protein context (NP_001357188.2, residues 320-340): PYMYLAGYHC[Arg330Pro]NRNVREALQA